The following is an entry in ClinVar:

NM_000439.5(PCSK1):c.1651T>C (p.Trp551Arg)

Genes: PCSK1 (proprotein convertase subtilisin/kexin type 1; minus strand), CAST (calpastatin; plus strand), LOC101929710 (uncharacterized LOC101929710; plus strand). Cytogenetic location: 5q15.
Variant type: single nucleotide variant.
Coding change: c.1651T>C on transcript NM_000439.5 (MANE Select); coding-DNA position 1651, T replaced by C.
Protein change: p.Trp551Arg; replaces tryptophan 551 with arginine.
Molecular consequence: missense variant. On other transcripts: intron variant (11).
Genome position (GRCh38, 1-based): chr5:96,397,407, A>G on the plus strand (T>C on the coding strand, the complement: PCSK1 is on the minus strand). VCF-style: chr5-96397407-A-G. GRCh37 (hg19) VCF-style: chr5-95733111-A-G.
Other names: c.-175+17755A>G (NM_001423256.1, NM_001423252.1, NM_001423257.1 and 6 more transcripts); c.-40+17755A>G (NM_001423258.1); c.1510T>C, p.Trp504Arg (NM_001177875.2); c.-103+17755A>G (NM_001423253.1); short protein forms W504R, W551R.
Identifiers: ClinVar variation 4990875 (VCV004990875.1).

ClinVar aggregate classification (germline): Uncertain significance (1 of 4 stars; one submission).

Conditions:
PCSK1-related disorder. Also called: PCSK1-related condition.

Submission:

PreventionGenetics, part of Exact Sciences
Classification: Uncertain significance for PCSK1-related condition. Last evaluated: 2026-06-28. Review status: criteria provided, single submitter. Criteria: ACMG Guidelines, 2015. Collection method: clinical testing. Allele origin: germline.
Comment: The PCSK1 c.1651T>C variant is predicted to result in the amino acid substitution p.Trp551Arg. This variant was observed in a cohort of individuals with obesity, and in vitro functional studies showed strong evidence of loss of function (Supplemental Data Set, Shah et al. 2023. PubMed ID: 36864747). To our knowledge, this variant has not been reported in a large population database (gnomAD), indicating this variant is rare. Although we suspect that this variant may be pathogenic, at this time, the clinical significance of this variant is uncertain due to the absence of conclusive functional and genetic evidence.